The following is an entry in ClinVar:

NM_001127255.2(NLRP7):c.1138G>C (p.Gly380Arg)

Gene: NLRP7 (NLR family pyrin domain containing 7; minus strand). Cytogenetic location: 19q13.42.
Variant type: single nucleotide variant.
Coding change: c.1138G>C on transcript NM_001127255.2 (MANE Select); coding-DNA position 1138, G replaced by C.
Protein change: p.Gly380Arg; replaces glycine 380 with arginine.
Molecular consequence: missense variant.
Genome position (GRCh38, 1-based): chr19:54,939,681, C>G on the plus strand (G>C on the coding strand, the complement: NLRP7 is on the minus strand). VCF-style: chr19-54939681-C-G. GRCh37 (hg19) VCF-style: chr19-55451049-C-G.
Other names: c.1138G>C, p.Gly380Arg (NM_001405531.1, NM_139176.4, NM_206828.4); short protein forms G380R.
Identifiers: ClinVar variation 97716 (VCV000097716.7), dbSNP rs104895557, ClinGen allele CA149948.

ClinVar aggregate classification (germline): Uncertain significance. Review status: criteria provided, single submitter (1 of 4 stars). 2 submissions from 2 submitters: Uncertain significance (1). 1 of the submissions does not count toward it. Last evaluated 2017-04-27.

Conditions:
Hydatidiform mole, recurrent, 1 (HYDM1). Identifiers: Orphanet 254688, Orphanet 99927, MedGen C3463897, MONDO:0009273, OMIM 231090. Disease mechanism: loss of function.

Allele frequency attached by ClinVar (database versions not stated): TOPMed 0.00006; 1000 Genomes Project 30x 0.00094; 1000 Genomes Project 0.00120.
gnomAD v4.1: 476 of 1,613,190 alleles (0.03%); highest among the groups gnomAD compares: South Asian, 0.46%; 11 homozygotes.

Submissions (2):

Illumina Laboratory Services, Illumina
Classification: Uncertain significance for Hydatidiform mole, recurrent, 1. Last evaluated: 2017-04-27. Review status: criteria provided, single submitter. Criteria: ICSL Variant Classification Criteria 13 December 2019. Collection method: clinical testing. Allele origin: germline.
Comment: This variant was observed as part of a predisposition screen in an ostensibly healthy population. A literature search was performed for the gene, cDNA change, and amino acid change (where applicable). Publications were found based on this search. However, the evidence from the literature, in combination with allele frequency data from public databases where available, was not sufficient to rule this variant in or out of causing disease. Therefore, this variant is classified as a variant of unknown significance.

Unité médicale des maladies autoinflammatoires, CHRU Montpellier
No classification provided. Condition: Hydatidiform mole. Review status: no classification provided. Collection method: not provided. Allele origin: unknown. Not counted in ClinVar's aggregate classification.

Literature cited by the submitters: PubMed 22025618 (cited by Illumina Laboratory Services, Illumina); PubMed 22646272 (cited by Illumina Laboratory Services, Illumina); PubMed 19309689 (cited by Illumina Laboratory Services, Illumina).